The following is an entry in ClinVar:

NM_002778.4(PSAP):c.1243C>G (p.Leu415Val)

Gene: PSAP (prosaposin; minus strand). Cytogenetic location: 10q22.1.
Variant type: single nucleotide variant.
Coding change: c.1243C>G on transcript NM_002778.4 (MANE Select); coding-DNA position 1243, C replaced by G.
Protein change: p.Leu415Val; replaces leucine 415 with valine.
Molecular consequence: missense variant.
Genome position (GRCh38, 1-based): chr10:71,819,572, G>C on the plus strand (C>G on the coding strand, the complement: PSAP is on the minus strand). VCF-style: chr10-71819572-G-C. GRCh37 (hg19) VCF-style: chr10-73579329-G-C.
Other names: c.1252C>G, p.Leu418Val (NM_001042465.3); c.1249C>G, p.Leu417Val (NM_001042466.3); short protein forms L415V, L417V, L418V.
Identifiers: ClinVar variation 1487231 (VCV001487231.6), dbSNP rs2133030948, ClinGen allele CA377143646.

ClinVar aggregate classification (germline): Uncertain significance (1 of 4 stars; one submission).

Conditions:
Sphingolipid activator protein 1 deficiency. Also called: METACHROMATIC LEUKODYSTROPHY DUE TO CEREBROSIDE SULFATASE ACTIVATOR DEFICIENCY; Metachromatic leukodystrophy due to saposin B deficiency; Saposin B Deficiency. Identifiers: Orphanet 512, MedGen C0268262, MONDO:0009590, OMIM 249900.

Submission:

Labcorp Genetics (formerly Invitae), Labcorp
Classification: Uncertain significance for Sphingolipid activator protein 1 deficiency. Last evaluated: 2021-04-29. Review status: criteria provided, single submitter. Criteria: Invitae Variant Classification Sherloc (09022015). Collection method: clinical testing. Allele origin: germline.
Comment: In summary, the available evidence is currently insufficient to determine the role of this variant in disease. Therefore, it has been classified as a Variant of Uncertain Significance. Algorithms developed to predict the effect of missense changes on protein structure and function output the following: SIFT: "Not Available"; PolyPhen-2: "Benign"; Align-GVGD: "Not Available". The valine amino acid residue is found in multiple mammalian species, suggesting that this missense change does not adversely affect protein function. These predictions have not been confirmed by published functional studies and their clinical significance is uncertain. This variant has not been reported in the literature in individuals with PSAP-related conditions. This variant is not present in population databases (ExAC no frequency). This sequence change replaces leucine with valine at codon 415 of the PSAP protein (p.Leu415Val). The leucine residue is moderately conserved and there is a small physicochemical difference between leucine and valine.